The following is an entry in ClinVar:

ClinVar aggregate classification (germline): Uncertain significance. Review status: criteria provided, single submitter (1 of 4 stars). 2 submissions from 2 submitters: Uncertain significance (1). 1 of the submissions does not count toward it. Last evaluated 2025-12-15.

Conditions:
BLK-related disorder. Also called: BLK-related condition.

Allele frequency attached by ClinVar (database versions not stated): ExAC 0.00012; gnomAD 0.00034; ESP Exome Variant Server 0.00031.
gnomAD v4.1: 87 of 1,613,830 alleles (0.0054%); highest among the groups gnomAD compares: African/African-American, 0.094%; no homozygotes.

Submissions (2):

Labcorp Genetics (formerly Invitae), Labcorp
Classification: Uncertain significance. Last evaluated: 2025-12-15. Review status: criteria provided, single submitter. Criteria: Invitae Variant Classification Sherloc (09022015). Collection method: clinical testing. Allele origin: germline.
Comment: This sequence change replaces proline, which is neutral and non-polar, with leucine, which is neutral and non-polar, at codon 9 of the BLK protein (p.Pro9Leu). This variant is present in population databases (rs147022480, gnomAD 0.09%), and has an allele count higher than expected for a pathogenic variant. This variant has not been reported in the literature in individuals affected with BLK-related conditions. ClinVar contains an entry for this variant (Variation ID: 2756044). An algorithm developed to predict the effect of missense changes on protein structure and function outputs the following: PolyPhen-2: "Possibly Damaging". The leucine amino acid residue is found in multiple mammalian species, which suggests that this missense change does not adversely affect protein function. In summary, the available evidence is currently insufficient to determine the role of this variant in disease. Therefore, it has been classified as a Variant of Uncertain Significance.

PreventionGenetics, part of Exact Sciences
Classification: Likely benign for BLK-related condition. Last evaluated: 2024-04-04. Review status: no assertion criteria provided. Collection method: clinical testing. Allele origin: germline. Not counted in ClinVar's aggregate classification.
Comment: This variant is classified as likely benign based on ACMG/AMP sequence variant interpretation guidelines (Richards et al. 2015 PMID: 25741868, with internal and published modifications).

NM_001715.3(BLK):c.26C>T (p.Pro9Leu)

Gene: BLK (BLK proto-oncogene, Src family tyrosine kinase). Cytogenetic location: 8p23.1.
Variant type: single nucleotide variant.
Coding change: c.26C>T on transcript NM_001715.3 (MANE Select); coding-DNA position 26, C replaced by T.
Protein change: p.Pro9Leu; replaces proline 9 with leucine.
Molecular consequence: missense variant. On other transcripts: intron variant (1).
Genome position (GRCh38, 1-based): chr8:11,543,250, C>T. VCF-style: chr8-11543250-C-T. GRCh37 (hg19) VCF-style: chr8-11400759-C-T.
Other names: c.-90-2802C>T (NM_001330465.2); c.26C>T (NM_001715.2); short protein forms P9L.
Identifiers: ClinVar variation 2756044 (VCV002756044.4), dbSNP rs147022480, ClinGen allele CA4629631.